The following is an entry in ClinVar:

ClinVar aggregate classification (germline): Pathogenic/Likely pathogenic. Review status: criteria provided, multiple submitters, no conflicts (2 of 4 stars). 3 submissions from 3 submitters: Pathogenic (2); Likely pathogenic (1). Last evaluated 2026-06-02.

Conditions:
Autosomal recessive limb-girdle muscular dystrophy type 2L (LGMDR12). Also called: Limb-girdle muscular dystrophy, type 2L; MUSCULAR DYSTROPHY, LIMB-GIRDLE, AUTOSOMAL RECESSIVE 12; Limb-Girdle Muscular Dystrophy R12 Anoctamin-5-Related (LGMD-R12). Identifiers: Orphanet 206549, MedGen C1969785, MONDO:0012652, OMIM 611307.

Submissions (3):

Human Genetics Bochum, Ruhr University Bochum
Classification: Pathogenic for Autosomal recessive limb-girdle muscular dystrophy type 2L. Last evaluated: 2026-06-02. Review status: criteria provided, single submitter. Criteria: ACMG Guidelines, 2015. Collection method: clinical testing. Allele origin: germline. Affected: yes.
Comment: in homozygous state; ACMG criteria used to clasify this variant: PVS1, PM3, PS4_SUP, PM2_SUP

Revvity Omics, Revvity
Classification: Likely pathogenic. Last evaluated: 2025-02-05. Review status: criteria provided, single submitter. Criteria: ACMG Guidelines, 2015. Collection method: clinical testing. Allele origin: germline.

CeGaT Center for Human Genetics Tuebingen
Classification: Pathogenic. Last evaluated: 2023-12-01. Review status: criteria provided, single submitter. Criteria: CeGaT Center For Human Genetics Tuebingen Variant Classification Criteria Version 2. Collection method: clinical testing. Allele origin: germline. Affected: yes. Observed: 1 variant allele.
Comment: ANO5: PVS1, PM2

NM_213599.3(ANO5):c.970del (p.Cys324fs)

Gene: ANO5 (anoctamin 5; plus strand). Cytogenetic location: 11p14.3.
Variant type: Deletion.
Coding change: c.970del on transcript NM_213599.3 (MANE Select); coding-DNA position 970, one base deleted (T; older notation c.970delT).
Protein change: p.Cys324fs; shifts the reading frame from cysteine 324.
Molecular consequence: frameshift variant.
Genome position (GRCh38, 1-based): chr11:22,250,328, T deleted; the last of 2 consecutive T bases (chr11:22,250,327-22,250,328); deleting either gives the same sequence. VCF-style (leftmost placement, unchanged base first): chr11-22250326-CT-C. GRCh37 (hg19) VCF-style: chr11-22271872-CT-C.
Other names: c.967del, p.Cys323fs (NM_001142649.2); c.928del, p.Cys310fs (NM_001410963.1); c.925del, p.Cys309fs (NM_001410964.1); c.970delT, p.Cys324Valfs (NM_213599.2); c.970del (NM_213599.2); short protein forms C309fs, C310fs, C323fs, C324fs.
Identifiers: ClinVar variation 3025983 (VCV003025983.24), dbSNP rs2494255442, ClinGen allele CA2740093653.
Genomic context (GRCh38, chr11:22,250,326, plus strand): 5'-ATTTTGTCTTTCTTGGATTTTACACAGAAATGCTATTCTTTGCAGCTGTAGTTGGCTTAG[CT>C]TGTTTTATTTATGGCTTATTATCAATGGAACATAACACAAGCAGGTAAGTGCACCTGAGT-3'